The following is an entry in ClinVar:

ClinVar aggregate classification (germline): Uncertain significance. Review status: criteria provided, multiple submitters, no conflicts (2 of 4 stars). 2 submissions from 2 submitters: Uncertain significance (2). Last evaluated 2024-09-25.

Conditions:
Inborn genetic diseases. Identifiers: MedGen C0950123, MeSH D030342.

Allele frequency attached by ClinVar (database versions not stated): ExAC 0.00001; gnomAD exomes 0.00001.
gnomAD v4.1: 5 of 1,609,674 alleles (0.00031%); highest among the groups gnomAD compares: Admixed American, 0.0067%; no homozygotes.

Submissions (2):

Ambry Genetics
Classification: Uncertain significance for Inborn genetic diseases. Last evaluated: 2024-09-25. Review status: criteria provided, single submitter. Criteria: Ambry Variant Classification Scheme 2023. Collection method: clinical testing. Allele origin: germline.

Labcorp Genetics (formerly Invitae), Labcorp
Classification: Uncertain significance. Last evaluated: 2022-04-24. Review status: criteria provided, single submitter. Criteria: Invitae Variant Classification Sherloc (09022015). Collection method: clinical testing. Allele origin: germline.
Comment: In summary, the available evidence is currently insufficient to determine the role of this variant in disease. Therefore, it has been classified as a Variant of Uncertain Significance. This variant is present in population databases (rs752860488, gnomAD 0.006%). This variant has not been reported in the literature in individuals affected with LAMB1-related conditions. Algorithms developed to predict the effect of missense changes on protein structure and function (SIFT, PolyPhen-2, Align-GVGD) all suggest that this variant is likely to be disruptive. Algorithms developed to predict the effect of sequence changes on RNA splicing suggest that this variant may create or strengthen a splice site. This sequence change replaces asparagine, which is neutral and polar, with serine, which is neutral and polar, at codon 1097 of the LAMB1 protein (p.Asn1097Ser).

NM_002291.3(LAMB1):c.3290A>G (p.Asn1097Ser)

Gene: LAMB1 (laminin subunit beta 1; minus strand). Cytogenetic location: 7q31.1.
Variant type: single nucleotide variant.
Coding change: c.3290A>G on transcript NM_002291.3 (MANE Select); coding-DNA position 3290, A replaced by G.
Protein change: p.Asn1097Ser; replaces asparagine 1097 with serine.
Molecular consequence: missense variant.
Genome position (GRCh38, 1-based): chr7:107,952,013, T>C on the plus strand (A>G on the coding strand, the complement: LAMB1 is on the minus strand). VCF-style: chr7-107952013-T-C. GRCh37 (hg19) VCF-style: chr7-107592458-T-C.
Other names: c.3290A>G (NM_002291.2); short protein forms N1097S.
Identifiers: ClinVar variation 2130177 (VCV002130177.5), dbSNP rs752860488, ClinGen allele CA4435392.
Genomic context (GRCh38, chr7:107,952,013, plus strand): 5'-ACCATGGGCTGACACCTGAGCTCATAAAGGCATCATCCCCAGCAGCAGCCCCTCACCTCA[T>C]TGCAAGATGGCCCGAAGGAATGAGCAGCATTGCAGTTGCATGGGTCACAGCCAGTGCCAC-3'
Protein context (NP_002282.2, residues 1087-1107): NAAHSFGPSC[Asn1097Ser]EFTGQCQCMP